The following is an entry in ClinVar:

ClinVar aggregate classification (germline): Likely pathogenic (1 of 4 stars; one submission).

gnomAD v4.1: 3 of 1,613,712 alleles (0.00019%); highest among the groups gnomAD compares: Non-Finnish European, 0.00025%; no homozygotes.

Submission:

GeneDx
Classification: Likely pathogenic. Last evaluated: 2024-06-10. Review status: criteria provided, single submitter. Criteria: GeneDx Variant Classification Process June 2021. Collection method: clinical testing. Allele origin: germline. Affected: yes.
Comment: Published functional studies demonstrate a damaging effect with cells harboring this variant exhibiting weak ATPase activity (PMID: 32123165); Has been observed in the heterozygous state in at least two patients with mild renal tubular acidosis; in one patient the disease segregated with symptoms in that family (PMID: 26920127, 27274828, 32123165); Not observed at significant frequency in large population cohorts (gnomAD); In silico analysis supports that this missense variant has a deleterious effect on protein structure/function; This variant is associated with the following publications: (PMID: 27274828, 32123165, 26920127)

NM_020632.3(ATP6V0A4):c.1631C>T (p.Ser544Leu)

Gene: ATP6V0A4 (ATPase H+ transporting V0 subunit a4; minus strand). Cytogenetic location: 7q34.
Variant type: single nucleotide variant.
Coding change: c.1631C>T on transcript NM_020632.3 (MANE Select); coding-DNA position 1631, C replaced by T.
Protein change: p.Ser544Leu; replaces serine 544 with leucine.
Molecular consequence: missense variant.
Genome position (GRCh38, 1-based): chr7:138,734,196, G>A on the plus strand (C>T on the coding strand, the complement: ATP6V0A4 is on the minus strand). VCF-style: chr7-138734196-G-A. GRCh37 (hg19) VCF-style: chr7-138418941-G-A.
Other names: c.1631C>T, p.Ser544Leu (NM_130840.3, NM_130841.3); short protein forms S544L.
Identifiers: ClinVar variation 3390567 (VCV003390567.1).